The following is an entry in ClinVar:

ClinVar aggregate classification (germline): Uncertain significance (1 of 4 stars; one submission).

gnomAD v4.1: 3 of 1,428,422 alleles (0.00021%); highest among the groups gnomAD compares: African/African-American, 0.0015%; no homozygotes.

Submission:

GeneDx
Classification: Uncertain significance. Last evaluated: 2026-01-30. Review status: criteria provided, single submitter. Criteria: GeneDx Variant Classification Process June 2021. Collection method: clinical testing. Allele origin: germline.
Comment: Not observed at significant frequency in large population cohorts (gnomAD); In silico analysis supports that this missense variant has a deleterious effect on protein structure/function; Has not been previously published as pathogenic or benign to our knowledge; In silico analysis is inconclusive as to whether the variant alters gene splicing. In the absence of RNA/functional studies, the actual effect of this sequence change is unknown.

NM_152416.4(NDUFAF6):c.197G>T (p.Arg66Leu)

Genes: NDUFAF6 (NADH:ubiquinone oxidoreductase complex assembly factor 6; plus strand), LOC113788297 (Sharpr-MPRA regulatory region 2014; plus strand). Cytogenetic location: 8q22.1.
Variant type: single nucleotide variant.
Coding change: c.197G>T on transcript NM_152416.4 (MANE Select); coding-DNA position 197, G replaced by T.
Protein change: p.Arg66Leu; replaces arginine 66 with leucine.
Molecular consequence: missense variant. On other transcripts: 5 prime UTR variant (12), non-coding transcript variant (6), intron variant (7).
Genome position (GRCh38, 1-based): chr8:95,025,205, G>T. VCF-style: chr8-95025205-G-T. GRCh37 (hg19) VCF-style: chr8-96037433-G-T.
Other names: c.-84G>T (NM_001330582.2, NM_001354521.2); c.-37G>T (NM_001354517.2); c.-256G>T (NM_001354518.2); c.-252G>T (NM_001354519.2); c.-601G>T (NM_001354527.2); c.-572G>T (NM_001354528.2); c.-384G>T (NM_001354529.2); c.-486G>T (NM_001354530.2); and 8 more; short protein forms R66L.
Identifiers: ClinVar variation 4975351 (VCV004975351.1).